The following is an entry in ClinVar:

NM_000038.6(APC):c.8258A>G (p.Glu2753Gly)

Gene: APC (APC regulator of Wnt signaling pathway; plus strand). Cytogenetic location: 5q22.2.
Variant type: single nucleotide variant.
Coding change: c.8258A>G on transcript NM_000038.6 (MANE Select); coding-DNA position 8258, A replaced by G.
Protein change: p.Glu2753Gly; replaces glutamic acid 2753 with glycine.
Molecular consequence: missense variant.
Genome position (GRCh38, 1-based): chr5:112,843,852, A>G. VCF-style: chr5-112843852-A-G. GRCh37 (hg19) VCF-style: chr5-112179549-A-G.
Other names: c.8258A>G, p.Glu2753Gly (NM_001127510.3, NM_001354895.2); c.8204A>G, p.Glu2735Gly (NM_001127511.3); c.8312A>G, p.Glu2771Gly (NM_001354896.2); c.8288A>G, p.Glu2763Gly (NM_001354897.2); c.8183A>G, p.Glu2728Gly (NM_001354898.2); c.8174A>G, p.Glu2725Gly (NM_001354899.2); c.8135A>G, p.Glu2712Gly (NM_001354900.2); c.8081A>G, p.Glu2694Gly (NM_001354901.2); and 5 more; short protein forms E2735G, E2753G, E2593G, E2627G, E2712G, E2470G, E2662G, E2725G.
Identifiers: ClinVar variation 233803 (VCV000233803.18), dbSNP rs876660649, ClinGen allele CA10578462.
Genomic context (GRCh38, chr5:112,843,852, plus strand): 5'-AAAAAGGAACTGAGATAAAACCAGGACAAAATAATCCTGTCCCTGTATCAGAGACTAATG[A>G]AAGTTCTATAGTGGAACGTACCCCATTCAGTTCTAGCAGCTCAAGCAAACACAGTTCACC-3'
Protein context (NP_000029.2, residues 2743-2763): NNPVPVSETN[Glu2753Gly]SSIVERTPFS

ClinVar aggregate classification (germline): Uncertain significance. Review status: criteria provided, multiple submitters, no conflicts (2 of 4 stars). 5 submissions from 5 submitters: Uncertain significance (4). 1 of the submissions does not count toward it. Last evaluated 2024-09-23.

Conditions:
Classic or attenuated familial adenomatous polyposis. Identifiers: MedGen CN372698, MONDO:0021057.
Familial adenomatous polyposis 1 (FAP1). Also called: FAMILIAL ADENOMATOUS POLYPOSIS 1, ATTENUATED; POLYPOSIS, ADENOMATOUS INTESTINAL. Identifiers: MedGen C2713442, MONDO:0021056, OMIM 175100. Disease mechanism: loss of function.
Hereditary cancer-predisposing syndrome. Also called: Neoplastic Syndromes, Hereditary; Tumor predisposition; Hereditary Cancer Syndrome; Hereditary neoplastic syndrome. Identifiers: Orphanet 140162, MedGen C0027672, MeSH D009386, MONDO:0015356.

Allele frequency attached by ClinVar (database versions not stated): gnomAD exomes below 0.00001.
gnomAD v4.1: 1 of 1,614,106 alleles (0.000062%); highest among the groups gnomAD compares: Non-Finnish European, 0.000085%; no homozygotes.

Submissions (5):

All of Us Research Program, National Institutes of Health
Classification: Uncertain significance for Classic or attenuated familial adenomatous polyposis. Last evaluated: 2024-09-23. Review status: criteria provided, single submitter. Criteria: ACMG Guidelines, 2015. Collection method: clinical testing. Allele origin: germline. Inheritance: Autosomal dominant inheritance. Observed: 4 variant alleles, 4 heterozygotes.
Comment: This missense variant replaces glutamic acid with glycine at codon 2753 of the APC protein. Computational prediction suggests that this variant may not impact protein structure and function (internally defined REVEL score threshold <= 0.5, PMID: 27666373). To our knowledge, functional studies have not been reported for this variant. This variant has not been reported in individuals affected with APC-related disorders in the literature. This variant has not been identified in the general population by the Genome Aggregation Database (gnomAD). The available evidence is insufficient to determine the role of this variant in disease conclusively. Therefore, this variant is classified as a Variant of Uncertain Significance.

This study involves interpretation of variants in research participants for the purpose of population health screening. Participant phenotype was not available at the time of variant classification. Additional details can be found in publication PMID: 35346344, PMCID: PMC8962531

Ambry Genetics
Classification: Uncertain significance for Hereditary cancer-predisposing syndrome. Last evaluated: 2024-04-09. Review status: criteria provided, single submitter. Criteria: Ambry Variant Classification Scheme 2023. Collection method: clinical testing. Allele origin: germline.
Comment: The p.E2753G variant (also known as c.8258A>G), located in coding exon 15 of the APC gene, results from an A to G substitution at nucleotide position 8258. The glutamic acid at codon 2753 is replaced by glycine, an amino acid with similar properties. This amino acid position is well conserved in available vertebrate species. In addition, in silico predictors for this gene do not accurately predict pathogenicity. Based on the available evidence, the clinical significance of this variant remains unclear.

Myriad Genetics, Inc.
Classification: Uncertain significance for Familial adenomatous polyposis 1. Last evaluated: 2023-02-15. Review status: criteria provided, single submitter. Criteria: Myriad Autosomal Dominant, Autosomal Recessive and X-Linked Classification Criteria (2023). Collection method: clinical testing. Allele origin: unknown.
Comment: This variant is classified as a variant of uncertain significance as there is insufficient evidence to determine its impact on protein function and/or cancer risk.

Labcorp Genetics (formerly Invitae), Labcorp
Classification: Uncertain significance for Familial adenomatous polyposis 1. Last evaluated: 2016-04-05. Review status: criteria provided, single submitter. Criteria: Invitae Variant Classification Sherloc (09022015). Collection method: clinical testing. Allele origin: germline.
Comment: In summary, this variant is a novel missense change with uncertain impact on protein function. It has been classified as a Variant of Uncertain Significance. Algorithms developed to predict the effect of missense changes on protein structure and function do not agree on the potential impact of this missense change (SIFT: "Deleterious"; PolyPhen-2: "Possibly Damaging"; Align-GVGD: "Class C0"). This variant is not present in population databases (ExAC no frequency) and has not been reported in the literature in individuals with a APC-related disease. This sequence change replaces glutamic acid with glycine at codon 2753 of the APC protein (p.Glu2753Gly). The glutamic acid residue is highly conserved and there is a moderate physicochemical difference between glutamic acid and glycine.

Counsyl
Classification: Uncertain significance for Familial adenomatous polyposis 1. Last evaluated: 2018-02-08. Review status: no assertion criteria provided. Collection method: clinical testing. Allele origin: unknown. Not counted in ClinVar's aggregate classification.